The following is an entry in ClinVar:

NM_001197104.2(KMT2A):c.3565T>C (p.Cys1189Arg)

Gene: KMT2A (lysine methyltransferase 2A; plus strand). Cytogenetic location: 11q23.3.
Variant type: single nucleotide variant.
Coding change: c.3565T>C on transcript NM_001197104.2 (MANE Select); coding-DNA position 3565, T replaced by C.
Protein change: p.Cys1189Arg; replaces cysteine 1189 with arginine.
Molecular consequence: missense variant.
Genome position (GRCh38, 1-based): chr11:118,478,197, T>C. VCF-style: chr11-118478197-T-C. GRCh37 (hg19) VCF-style: chr11-118348912-T-C.
Other names: c.3565T>C, p.Cys1189Arg (NM_005933.4); short protein forms C1189R.
Identifiers: ClinVar variation 280722 (VCV000280722.4), dbSNP rs886041875, ClinGen allele CA10603134.

ClinVar aggregate classification (germline): Pathogenic. Review status: criteria provided, multiple submitters, no conflicts (2 of 4 stars). 2 submissions from 2 submitters: Pathogenic (2). Last evaluated 2020-07-27.

Conditions:
Wiedemann-Steiner syndrome (WDSTS). Also called: Growth deficiency and mental retardation with facial dysmorphism. Identifiers: Orphanet 319182, MedGen C1854630, MONDO:0011518, OMIM 605130.

Submissions (2):

GeneDx
Classification: Pathogenic. Last evaluated: 2020-07-27. Review status: criteria provided, single submitter. Criteria: GeneDx Variant Classification Process June 2021. Collection method: clinical testing. Allele origin: germline. Affected: yes.
Comment: Not observed in large population cohorts (Lek et al., 2016); In silico analysis supports that this missense variant has a deleterious effect on protein structure/function; Has not been previously published as pathogenic or benign to our knowledge; This variant is associated with the following publications: (PMID: 16990798)

Baylor Genetics
Classification: Pathogenic for Wiedemann-Steiner syndrome. Last evaluated: 2019-06-25. Review status: criteria provided, single submitter. Criteria: ACMG Guidelines, 2015. Collection method: clinical testing. Allele origin: de novo. Affected: yes.
Comment: This variant was determined to be pathogenic according to ACMG Guidelines, 2015 [PMID:25741868].